The following is an entry in ClinVar:

ClinVar aggregate classification (germline): Uncertain significance (1 of 4 stars; one submission).

Allele frequency attached by ClinVar (database versions not stated): gnomAD 0.00001; 1000 Genomes Project 30x 0.00016; 1000 Genomes Project 0.00020.
gnomAD v4.1: 3 of 1,613,568 alleles (0.00019%); highest among the groups gnomAD compares: East Asian, 0.0067%; no homozygotes.

Submission:

Laboratory for Molecular Medicine, Mass General Brigham Personalized Medicine
Classification: Uncertain significance. Last evaluated: 2015-04-04. Review status: criteria provided, single submitter. Criteria: LMM Criteria. Collection method: clinical testing. Allele origin: germline. Observed: 1 variant allele.
Comment: The p.Thr16897Arg variant in TTN has not been previously reported in individuals with cardiomyopathy, but has been identified in 2/8514 East Asian chromosomes b y the Exome Aggregation Consortium (ExAC). Compu tational prediction tools and conservation analysis do not provide strong suppor t for or against an impact to the protein. In summary, the clinical significance of the p.Thr16897Arg variant is uncertain.

NM_001267550.2(TTN):c.58394C>G (p.Thr19465Arg)

Genes: TTN-AS1 (TTN antisense RNA 1; plus strand), TTN (titin; minus strand). Cytogenetic location: 2q31.2.
Variant type: single nucleotide variant.
Coding change: c.58394C>G on transcript NM_001267550.2 (MANE Select); coding-DNA position 58394, C replaced by G.
Protein change: p.Thr19465Arg; replaces threonine 19465 with arginine.
Molecular consequence: missense variant.
Genome position (GRCh38, 1-based): chr2:178,593,999, G>C on the plus strand (C>G on the coding strand, the complement: TTN is on the minus strand). VCF-style: chr2-178593999-G-C. GRCh37 (hg19) VCF-style: chr2-179458726-G-C.
Other names: c.50690C>G, p.Thr16897Arg (NM_133378.4); c.53471C>G, p.Thr17824Arg (NM_001256850.1); c.31199C>G, p.Thr10400Arg (NM_003319.4); c.31574C>G, p.Thr10525Arg (NM_133432.3); c.31775C>G, p.Thr10592Arg (NM_133437.4); short protein forms T16897R, T19465R, T10525R, T10400R, T17824R, T10592R.
Identifiers: ClinVar variation 229473 (VCV000229473.5), dbSNP rs571477228, ClinGen allele CA1992868.